The following is an entry in ClinVar:

NM_138422.4(ADAT3):c.527T>G (p.Leu176Arg)

Genes: ADAT3 (adenosine deaminase tRNA specific 3; plus strand), SCAMP4 (secretory carrier membrane protein 4; plus strand). Cytogenetic location: 19p13.3.
Variant type: single nucleotide variant.
Coding change: c.527T>G on transcript NM_138422.4 (MANE Select); coding-DNA position 527, T replaced by G.
Protein change: p.Leu176Arg; replaces leucine 176 with arginine.
Molecular consequence: missense variant. On other transcripts: intron variant (3).
Genome position (GRCh38, 1-based): chr19:1,912,574, T>G. VCF-style: chr19-1912574-T-G. GRCh37 (hg19) VCF-style: chr19-1912573-T-G.
Other names: c.479T>G, p.Leu160Arg (NM_001329533.2); c.-41-2405T>G (NM_079834.4, NM_001329540.2); c.-125-5120T>G (NM_001329539.2); short protein forms L160R, L176R.
Identifiers: ClinVar variation 3899408 (VCV003899408.1).

ClinVar aggregate classification (germline): Uncertain significance (1 of 4 stars; one submission).

Submission:

GeneDx
Classification: Uncertain significance. Last evaluated: 2024-11-18. Review status: criteria provided, single submitter. Criteria: GeneDx Variant Classification Process June 2021. Collection method: clinical testing. Allele origin: germline. Affected: yes.
Comment: Not observed at significant frequency in large population cohorts (gnomAD); Has not been previously published as pathogenic or benign to our knowledge; In silico analysis does not support a benign or deleterious effect of this variant on protein structure/function